The following is an entry in ClinVar:

NM_000111.3(SLC26A3):c.459T>A (p.Asn153Lys)

Gene: SLC26A3 (solute carrier family 26 member 3; minus strand). Cytogenetic location: 7q22.3.
Variant type: single nucleotide variant.
Coding change: c.459T>A on transcript NM_000111.3 (MANE Select); coding-DNA position 459, T replaced by A.
Protein change: p.Asn153Lys; replaces asparagine 153 with lysine.
Molecular consequence: missense variant.
Genome position (GRCh38, 1-based): chr7:107,791,159, A>T on the plus strand (T>A on the coding strand, the complement: SLC26A3 is on the minus strand). VCF-style: chr7-107791159-A-T. GRCh37 (hg19) VCF-style: chr7-107431604-A-T.
Other names: c.459T>A (NM_000111.2); short protein forms N153K.
Identifiers: ClinVar variation 1502483 (VCV001502483.6), dbSNP rs372822974, ClinGen allele CA4434120.

ClinVar aggregate classification (germline): Uncertain significance. Review status: criteria provided, multiple submitters, no conflicts (2 of 4 stars). 2 submissions from 2 submitters: Uncertain significance (2). Last evaluated 2024-01-24.

Conditions:
Inborn genetic diseases. Identifiers: MedGen C0950123, MeSH D030342.

Allele frequency attached by ClinVar (database versions not stated): gnomAD 0.00001; ExAC 0.00002; TOPMed 0.00002; gnomAD exomes 0.00003 and 0.00018; ESP Exome Variant Server 0.00008.

Submissions (2):

Ambry Genetics
Classification: Uncertain significance for Inborn genetic diseases. Last evaluated: 2024-01-24. Review status: criteria provided, single submitter. Criteria: Ambry Variant Classification Scheme 2023. Collection method: clinical testing. Allele origin: germline.

Labcorp Genetics (formerly Invitae), Labcorp
Classification: Uncertain significance. Last evaluated: 2022-08-16. Review status: criteria provided, single submitter. Criteria: Invitae Variant Classification Sherloc (09022015). Collection method: clinical testing. Allele origin: germline.
Comment: This sequence change replaces asparagine, which is neutral and polar, with lysine, which is basic and polar, at codon 153 of the SLC26A3 protein (p.Asn153Lys). This variant is present in population databases (rs372822974, gnomAD 0.006%). This variant has not been reported in the literature in individuals affected with SLC26A3-related conditions. ClinVar contains an entry for this variant (Variation ID: 1502483). Advanced modeling of protein sequence and biophysical properties (such as structural, functional, and spatial information, amino acid conservation, physicochemical variation, residue mobility, and thermodynamic stability) performed at Invitae indicates that this missense variant is not expected to disrupt SLC26A3 protein function. In summary, the available evidence is currently insufficient to determine the role of this variant in disease. Therefore, it has been classified as a Variant of Uncertain Significance.